The following is an entry in ClinVar:

ClinVar aggregate classification (germline): Likely pathogenic (1 of 4 stars; one submission).

Conditions:
Aniridia 1 (AN1). Identifiers: Orphanet 250923, MedGen C0344542, MONDO:0024507, OMIM 106210.
Irido-corneo-trabecular dysgenesis (ASGD5). Also called: ANTERIOR SEGMENT DYSGENESIS 5. Identifiers: Orphanet 708, MedGen C0344559, MONDO:0011414, OMIM 604229, HP:0000659.

Submission:

Labcorp Genetics (formerly Invitae), Labcorp
Classification: Likely pathogenic for Aniridia 1; Irido-corneo-trabecular dysgenesis. Last evaluated: 2022-08-08. Review status: criteria provided, single submitter. Criteria: Invitae Variant Classification Sherloc (09022015). Collection method: clinical testing. Allele origin: germline.
Comment: This sequence change replaces glycine, which is neutral and non-polar, with tryptophan, which is neutral and slightly polar, at codon 18 of the PAX6 protein (p.Gly18Trp). This variant is not present in population databases (gnomAD no frequency). This variant disrupts the p.Gly18 amino acid residue in PAX6. Other variant(s) that disrupt this residue have been determined to be pathogenic (PMID: 15579687, 20577777; Invitae). This suggests that this residue is clinically significant, and that variants that disrupt this residue are likely to be disease-causing. Experimental studies have shown that this missense change affects PAX6 function (PMID: 14744876, 15020706, 24623969). Advanced modeling of protein sequence and biophysical properties (such as structural, functional, and spatial information, amino acid conservation, physicochemical variation, residue mobility, and thermodynamic stability) performed at Invitae indicates that this missense variant is expected to disrupt PAX6 protein function. This missense change has been observed in individual(s) with PAX6-related conditions (PMID: 9792406). In summary, the currently available evidence indicates that the variant is pathogenic, but additional data are needed to prove that conclusively. Therefore, this variant has been classified as Likely Pathogenic.

Literature cited by the submitters: PubMed 15579687; PubMed 20577777; PubMed 14744876; PubMed 15020706; PubMed 24623969; PubMed 9792406.

NM_001368894.2(PAX6):c.52G>T (p.Gly18Trp)

Gene: PAX6 (paired box 6; minus strand). Cytogenetic location: 11p13.
Variant type: single nucleotide variant.
Coding change: c.52G>T on transcript NM_001368894.2 (MANE Select); coding-DNA position 52, G replaced by T.
Protein change: p.Gly18Trp; replaces glycine 18 with tryptophan.
Molecular consequence: missense variant. On other transcripts: 5 prime UTR variant (12), non-coding transcript variant (2), intron variant (2).
Genome position (GRCh38, 1-based): chr11:31,802,793, C>A on the plus strand (G>T on the coding strand, the complement: PAX6 is on the minus strand). VCF-style: chr11-31802793-C-A. GRCh37 (hg19) VCF-style: chr11-31824341-C-A.
Other names: c.52G>T, p.Gly18Trp (NM_000280.6, NM_001127612.3, NM_001258462.3 and 30 more transcripts); c.-730G>T (NM_001310160.2, NM_001368905.2); c.-399G>T (NM_001310161.3, NM_001368900.2, NM_001368903.2 and 2 more transcripts); c.-357G>T (NM_001368899.2, NM_001368901.2, NM_001368906.2 and 1 more transcripts); c.-688G>T (NM_001368902.2); c.295G>T, p.Gly99Trp (NM_001368910.2); c.55G>T, p.Gly19Trp (NM_001368911.2); c.-267-1017G>T (NM_001368909.2, NM_001368904.2); short protein forms G99W, G18W, G19W.
Identifiers: ClinVar variation 2137045 (VCV002137045.4), dbSNP rs886044289, ClinGen allele CA379959644.
Genomic context (GRCh38, chr11:31,802,793, plus strand): 5'-GGGCCCCGCTGTGAGCTAGCTCTACAATCTTCTGCCGGGTGGAGTCCGGCAGTGGCCGCC[C>A]GTTGACAAAGACACCACCGAGCTGATTCACTCCGCTGTGACCTGAGGAAAGGGAGAGGAG-3'
Protein context (NP_001355823.1, residues 8-28): VNQLGGVFVN[Gly18Trp]RPLPDSTRQK